The following is an entry in ClinVar:

NM_032043.3(BRIP1):c.1502_1503del (p.Glu501fs)

Gene: BRIP1 (BRCA1 interacting DNA helicase 1; minus strand). Cytogenetic location: 17q23.2.
Variant type: Microsatellite.
Coding change: c.1502_1503del on transcript NM_032043.3 (MANE Select); coding-DNA positions 1502 to 1503, 2 bases deleted (AG; older notation c.1502_1503delAG).
Protein change: p.Glu501fs; shifts the reading frame from glutamic acid 501.
Molecular consequence: frameshift variant.
Genome position (GRCh38, 1-based): chr17:61,784,395-61,784,396, CT deleted on the plus strand (AG on the coding strand, the reverse complement: BRIP1 is on the minus strand); deleting any 2 consecutive bases within chr17:61,784,395-61,784,398 gives the same sequence; the c. name uses the placement nearest the transcript's 3' end. VCF-style (leftmost placement, unchanged base first): chr17-61784394-CCT-C. GRCh37 (hg19) VCF-style: chr17-59861755-CCT-C.
Other names: c.1502_1503delAG (NM_032043.3); short protein forms E501fs.
Identifiers: ClinVar variation 2578793 (VCV002578793.29), dbSNP rs2545055357, ClinGen allele CA2580617966.
Genomic context (GRCh38, chr17:61,784,394, plus strand): 5'-ATGCACTAATAACAGGTACTTCTCTTGCCTCCTCTTTACCATAAATTGGTGAGATTTTTT[CCT>C]CTTTTTGAAGAACAGCAGAAAAATGTCCCTATAAGAAATTACCATATTAAGTATAGAGGG-3'

ClinVar aggregate classification (germline): Pathogenic/Likely pathogenic. Review status: criteria provided, multiple submitters, no conflicts (2 of 4 stars). 4 submissions from 4 submitters: Pathogenic (3); Likely pathogenic (1). Last evaluated 2026-06-08.

Conditions:
Fanconi anemia complementation group J. Also called: BRIP1-Related Fanconi Anemia. Identifiers: Orphanet 84, MedGen C1836860, MONDO:0012187, OMIM 609054.
Familial cancer of breast. Also called: BREAST CANCER, FAMILIAL; hereditary breast carcinoma; Hereditary breast cancer. Identifiers: Orphanet 227535, MedGen C0346153, MONDO:0016419, OMIM 114480. Disease mechanism: loss of function.

Submissions (4):

Institute of Human Genetics, Heidelberg University
Classification: Likely pathogenic for Familial cancer of breast. Last evaluated: 2026-06-08. Review status: criteria provided, single submitter. Criteria: ACMG Guidelines, 2015. Collection method: clinical testing. Allele origin: unknown. Observed: 1 variant allele.
Comment: PVS1, PM2_sup

Women's Health and Genetics/Laboratory Corporation of America, LabCorp
Classification: Pathogenic for Fanconi anemia complementation group J. Last evaluated: 2025-03-10. Review status: criteria provided, single submitter. Criteria: LabCorp Variant Classification Summary - May 2015. Collection method: clinical testing. Allele origin: germline.
Comment: Variant summary: BRIP1 c.1502_1503delAG (p.Glu501GlyfsX9) results in a premature termination codon, predicted to cause a truncation of the encoded protein or absence of the protein due to nonsense mediated decay, which are commonly known mechanisms for disease. The frequency data for this variant in gnomAD is considered unreliable, as metrics indicate poor data quality at this position. To our knowledge, no occurrence of c.1502_1503delAG in individuals affected with Fanconi Anemia Complementation Group J and no experimental evidence demonstrating its impact on protein function have been reported. ClinVar contains an entry for this variant (Variation ID: 2578793). Based on the evidence outlined above, the variant was classified as pathogenic.

Labcorp Genetics (formerly Invitae), Labcorp
Classification: Pathogenic for Familial cancer of breast; Fanconi anemia complementation group J. Last evaluated: 2024-12-02. Review status: criteria provided, single submitter. Criteria: Invitae Variant Classification Sherloc (09022015). Collection method: clinical testing. Allele origin: germline.
Comment: This sequence change creates a premature translational stop signal (p.Glu501Glyfs*9) in the BRIP1 gene. It is expected to result in an absent or disrupted protein product. Loss-of-function variants in BRIP1 are known to be pathogenic (PMID: 16116423, 17033622, 21964575). This variant is not present in population databases (gnomAD no frequency). This variant has not been reported in the literature in individuals affected with BRIP1-related conditions. For these reasons, this variant has been classified as Pathogenic.

CeGaT Center for Human Genetics Tuebingen
Classification: Pathogenic. Last evaluated: 2023-08-01. Review status: criteria provided, single submitter. Criteria: CeGaT Center For Human Genetics Tuebingen Variant Classification Criteria Version 2. Collection method: clinical testing. Allele origin: germline. Affected: yes. Observed: 1 variant allele.
Comment: BRIP1: PVS1, PM2

Literature cited by the submitters: PubMed 16116423 (cited by Labcorp Genetics (formerly Invitae), Labcorp); PubMed 17033622 (cited by Labcorp Genetics (formerly Invitae), Labcorp); PubMed 21964575 (cited by Labcorp Genetics (formerly Invitae), Labcorp).